The following is an entry in ClinVar:

NM_001414.4(EIF2B1):c.778G>A (p.Ala260Thr)

Genes: EIF2B1 (eukaryotic translation initiation factor 2B subunit alpha; minus strand), LOC126861664 (CDK7 strongly-dependent group 2 enhancer GRCh37_chr12:124105924-124107123; plus strand). Cytogenetic location: 12q24.31.
Variant type: single nucleotide variant.
Coding change: c.778G>A on transcript NM_001414.4 (MANE Select); coding-DNA position 778, G replaced by A.
Protein change: p.Ala260Thr; replaces alanine 260 with threonine.
Molecular consequence: missense variant.
Genome position (GRCh38, 1-based): chr12:123,621,896, C>T on the plus strand (G>A on the coding strand, the complement: EIF2B1 is on the minus strand). VCF-style: chr12-123621896-C-T. GRCh37 (hg19) VCF-style: chr12-124106443-C-T.
Other names: c.778G>A (NM_001414.3); short protein forms A260T.
Identifiers: ClinVar variation 1524276 (VCV001524276.4), dbSNP rs141136209, ClinGen allele CA6859949.

ClinVar aggregate classification (germline): Uncertain significance. Review status: criteria provided, multiple submitters, no conflicts (2 of 4 stars). 2 submissions from 2 submitters: Uncertain significance (2). Last evaluated 2021-11-03.

Conditions:
Inborn genetic diseases. Identifiers: MedGen C0950123, MeSH D030342.

Allele frequency attached by ClinVar (database versions not stated): ExAC 0.00002; gnomAD exomes 0.00003 and 0.00009; TOPMed 0.00003; gnomAD 0.00005; ESP Exome Variant Server 0.00008.
gnomAD v4.1: 133 of 1,613,956 alleles (0.0082%); highest among the groups gnomAD compares: Middle Eastern, 0.017%; no homozygotes.

Submissions (2):

Labcorp Genetics (formerly Invitae), Labcorp
Classification: Uncertain significance. Last evaluated: 2021-11-03. Review status: criteria provided, single submitter. Criteria: Invitae Variant Classification Sherloc (09022015). Collection method: clinical testing. Allele origin: germline.
Comment: This sequence change replaces alanine, which is neutral and non-polar, with threonine, which is neutral and polar, at codon 260 of the EIF2B1 protein (p.Ala260Thr). This variant is present in population databases (rs141136209, gnomAD 0.006%). This variant has not been reported in the literature in individuals affected with EIF2B1-related conditions. Algorithms developed to predict the effect of missense changes on protein structure and function output the following: SIFT: "Tolerated"; PolyPhen-2: "Benign"; Align-GVGD: "Class C0". The threonine amino acid residue is found in multiple mammalian species, which suggests that this missense change does not adversely affect protein function. In summary, the available evidence is currently insufficient to determine the role of this variant in disease. Therefore, it has been classified as a Variant of Uncertain Significance.

Ambry Genetics
Classification: Uncertain significance for Inborn genetic diseases. Last evaluated: 2021-10-22. Review status: criteria provided, single submitter. Criteria: Ambry Variant Classification Scheme 2023. Collection method: clinical testing. Allele origin: germline.